The following is an entry in ClinVar:

NM_005359.6(SMAD4):c.425-17C>T

Gene: SMAD4 (SMAD family member 4; plus strand). Cytogenetic location: 18q21.2.
Variant type: single nucleotide variant.
Coding change: c.425-17C>T on transcript NM_005359.6 (MANE Select); 17 bases into the intron before coding-DNA position 425, C replaced by T.
Molecular consequence: intron variant.
Genome position (GRCh38, 1-based): chr18:51,049,278, C>T. VCF-style: chr18-51049278-C-T. GRCh37 (hg19) VCF-style: chr18-48575648-C-T.
Identifiers: ClinVar variation 492480 (VCV000492480.13), dbSNP rs767419859, ClinGen allele CA8965790.

ClinVar aggregate classification (germline): Likely benign. Review status: criteria provided, multiple submitters, no conflicts (2 of 4 stars). 5 submissions from 5 submitters: Likely benign (5). Last evaluated 2026-01-28.

Conditions:
Juvenile polyposis/hereditary hemorrhagic telangiectasia syndrome (JPHT). Also called: Juvenile Polyposis Syndrome / Hereditary Hemorrhagic Telangiectasia (JPS/HHT); JP/HHT SYNDROME; JUVENILE POLYPOSIS WITH HEREDITARY HEMORRHAGIC TELANGIECTASIA; POLYPOSIS, GENERALIZED JUVENILE, WITH PULMONARY ARTERIOVENOUS MALFORMATION; TELANGIECTASIA, HEREDITARY HEMORRHAGIC, WITH JUVENILE POLYPOSIS COLI. Identifiers: Orphanet 2929, MedGen C1832942, MONDO:0008278, OMIM 175050.
Juvenile polyposis syndrome (JPS). Identifiers: Orphanet 2929, MedGen C0345893, MONDO:0017380, OMIM 174900.
Hereditary cancer-predisposing syndrome. Also called: Tumor predisposition; Hereditary Cancer Syndrome; Neoplastic Syndromes, Hereditary; Hereditary neoplastic syndrome. Identifiers: Orphanet 140162, MedGen C0027672, MeSH D009386, MONDO:0015356.

Allele frequency attached by ClinVar (database versions not stated): gnomAD 0.00002; gnomAD exomes 0.00002 and 0.00003; ExAC 0.00003; TOPMed 0.00003.
gnomAD v4.1: 46 of 1,535,626 alleles (0.003%); highest among the groups gnomAD compares: Non-Finnish European, 0.004%; no homozygotes.

Submissions (5):

Labcorp Genetics (formerly Invitae), Labcorp
Classification: Likely benign for Juvenile polyposis syndrome. Last evaluated: 2026-01-28. Review status: criteria provided, single submitter. Criteria: Invitae Variant Classification Sherloc (09022015). Collection method: clinical testing. Allele origin: germline.

Myriad Genetics, Inc.
Classification: Likely benign for Juvenile polyposis/hereditary hemorrhagic telangiectasia syndrome. Last evaluated: 2025-03-19. Review status: criteria provided, single submitter. Criteria: Myriad Autosomal Dominant, Autosomal Recessive and X-Linked Classification Criteria (2023). Collection method: clinical testing. Allele origin: unknown.
Comment: This variant is considered likely benign. This variant is intronic and is not expected to impact mRNA splicing.

ARUP Laboratories, Molecular Genetics and Genomics, ARUP Laboratories
Classification: Likely benign. Last evaluated: 2023-01-24. Review status: criteria provided, single submitter. Criteria: ARUP Molecular Germline Variant Investigation Process 2024. Collection method: clinical testing. Allele origin: germline.

Blueprint Genetics
Classification: Likely benign. Last evaluated: 2022-01-18. Review status: criteria provided, single submitter. Criteria: ACMG Guidelines, 2015. Collection method: clinical testing. Allele origin: germline.

Color Diagnostics, LLC DBA Color Health
Classification: Likely benign for Hereditary cancer-predisposing syndrome. Last evaluated: 2016-11-28. Review status: criteria provided, single submitter. Criteria: ACMG Guidelines, 2015. Collection method: clinical testing. Allele origin: germline.